The following is an entry in ClinVar:

ClinVar aggregate classification (germline): Uncertain significance (1 of 4 stars; one submission).

Conditions:
Cerebral folate transport deficiency. Also called: FOLATE RECEPTOR DEFICIENCY; Cerebral folate deficiency syndrome; Neurodegenerative syndrome due to cerebral folate transport deficiency; FOLR1-Related Cerebral Folate Transport Deficiency; NEURODEGENERATION DUE TO CEREBRAL FOLATE TRANSPORT DEFICIENCY. Identifiers: Orphanet 217382, MedGen C2751584, MONDO:0013110, OMIM 613068. Disease mechanism: loss of function.

Submission:

Labcorp Genetics (formerly Invitae), Labcorp
Classification: Uncertain significance for Cerebral folate transport deficiency. Last evaluated: 2022-08-22. Review status: criteria provided, single submitter. Criteria: Invitae Variant Classification Sherloc (09022015). Collection method: clinical testing. Allele origin: germline.
Comment: In summary, the available evidence is currently insufficient to determine the role of this variant in disease. Therefore, it has been classified as a Variant of Uncertain Significance. Algorithms developed to predict the effect of missense changes on protein structure and function (SIFT, PolyPhen-2, Align-GVGD) all suggest that this variant is likely to be disruptive. ClinVar contains an entry for this variant (Variation ID: 952373). This variant has not been reported in the literature in individuals affected with FOLR1-related conditions. This variant is not present in population databases (gnomAD no frequency). This sequence change replaces histidine, which is basic and polar, with tyrosine, which is neutral and polar, at codon 75 of the FOLR1 protein (p.His75Tyr).

NM_016729.3(FOLR1):c.223C>T (p.His75Tyr)

Genes: FOLR1-AS1 (FOLR1 antisense RNA 1; minus strand), FOLR1 (folate receptor alpha; plus strand). Cytogenetic location: 11q13.4.
Variant type: single nucleotide variant.
Coding change: c.223C>T on transcript NM_016729.3 (MANE Select); coding-DNA position 223, C replaced by T.
Protein change: p.His75Tyr; replaces histidine 75 with tyrosine.
Molecular consequence: missense variant.
Genome position (GRCh38, 1-based): chr11:72,195,325, C>T. VCF-style: chr11-72195325-C-T. GRCh37 (hg19) VCF-style: chr11-71906369-C-T.
Other names: c.223C>T, p.His75Tyr (NM_000802.3, NM_016724.3, NM_016725.3); short protein forms H75Y.
Identifiers: ClinVar variation 952373 (VCV000952373.10), dbSNP rs1948212646, ClinGen allele CA381731983.
Genomic context (GRCh38, chr11:72,195,325, plus strand): 5'-ATCCAGTGTCGACCCTGGAGGAAGAATGCCTGCTGTTCTACCAACACCAGCCAGGAAGCC[C>T]ATAAGGATGTTTCCTACCTATATAGATTCAACTGGAACCACTGTGGAGAGATGGCACCTG-3'
Protein context (NP_057941.1, residues 65-85): CCSTNTSQEA[His75Tyr]KDVSYLYRFN